The following is an entry in ClinVar:

NM_001127222.2(CACNA1A):c.4991C>G (p.Ala1664Gly)

Gene: CACNA1A (calcium voltage-gated channel subunit alpha1 A; minus strand). Cytogenetic location: 19p13.13.
Variant type: single nucleotide variant.
Coding change: c.4991C>G on transcript NM_001127222.2 (MANE Select); coding-DNA position 4991, C replaced by G.
Protein change: p.Ala1664Gly; replaces alanine 1664 with glycine.
Molecular consequence: missense variant.
Genome position (GRCh38, 1-based): chr19:13,235,690, G>C on the plus strand (C>G on the coding strand, the complement: CACNA1A is on the minus strand). VCF-style: chr19-13235690-G-C. GRCh37 (hg19) VCF-style: chr19-13346504-G-C.
Other names: c.5009C>G, p.Ala1670Gly (NM_000068.4, NM_023035.3); c.4994C>G, p.Ala1665Gly (NM_001127221.2); c.5000C>G, p.Ala1667Gly (NM_001174080.2); short protein forms A1664G, A1665G, A1667G, A1670G.
Identifiers: ClinVar variation 2948134 (VCV002948134.3), dbSNP rs2512649503, ClinGen allele CA404336936.

ClinVar aggregate classification (germline): Uncertain significance (1 of 4 stars; one submission).

Conditions:
Episodic ataxia type 2 (EA2). Also called: CEREBELLAR ATAXIA, PAROXYSMAL, ACETAZOLAMIDE-RESPONSIVE; CEREBELLOPATHY, HEREDITARY PAROXYSMAL; EPISODIC ATAXIA, NYSTAGMUS-ASSOCIATED; ACETAZOLAMIDE-RESPONSIVE HEREDITARY PAROXYSMAL CEREBELLAR ATAXIA; ATAXIA, EPISODIC, WITH NYSTAGMUS; ATAXIA, FAMILIAL PAROXYSMAL. Identifiers: Orphanet 97, MedGen C1720416, MONDO:0007163, OMIM 108500.
Developmental and epileptic encephalopathy, 42 (DEE42A). Also called: Epileptic encephalopathy, early infantile, 42; DEVELOPMENTAL AND EPILEPTIC ENCEPHALOPATHY 42A; EPILEPTIC ENCEPHALOPATHY, EARLY INFANTILE, 42A. Identifiers: MedGen C4310716, MONDO:0014917, OMIM 617106.

Submission:

Labcorp Genetics (formerly Invitae), Labcorp
Classification: Uncertain significance for Developmental and epileptic encephalopathy, 42; Episodic ataxia type 2. Last evaluated: 2023-05-22. Review status: criteria provided, single submitter. Criteria: Invitae Variant Classification Sherloc (09022015). Collection method: clinical testing. Allele origin: germline.
Comment: This sequence change replaces alanine, which is neutral and non-polar, with glycine, which is neutral and non-polar, at codon 1665 of the CACNA1A protein (p.Ala1665Gly). This variant is not present in population databases (gnomAD no frequency). This variant has not been reported in the literature in individuals affected with CACNA1A-related conditions. Advanced modeling of protein sequence and biophysical properties (such as structural, functional, and spatial information, amino acid conservation, physicochemical variation, residue mobility, and thermodynamic stability) performed at Invitae indicates that this missense variant is expected to disrupt CACNA1A protein function. Algorithms developed to predict the effect of sequence changes on RNA splicing suggest that this variant may create or strengthen a splice site. In summary, the available evidence is currently insufficient to determine the role of this variant in disease. Therefore, it has been classified as a Variant of Uncertain Significance.